The following is an entry in ClinVar:

ClinVar aggregate classification (germline): Uncertain significance. Review status: criteria provided, multiple submitters, no conflicts (2 of 4 stars). 2 submissions from 2 submitters: Uncertain significance (2). Last evaluated 2024-12-30.

Conditions:
Hereditary nonpolyposis colorectal neoplasms. Identifiers: MedGen C0009405, MeSH D003123.
Hereditary cancer-predisposing syndrome. Also called: Neoplastic Syndromes, Hereditary; Tumor predisposition; Hereditary Cancer Syndrome; Hereditary neoplastic syndrome. Identifiers: Orphanet 140162, MedGen C0027672, MeSH D009386, MONDO:0015356.

Allele frequency attached by ClinVar (database versions not stated): gnomAD exomes below 0.00001; TOPMed below 0.00001.
gnomAD v4.1: 4 of 1,614,222 alleles (0.00025%); highest among the groups gnomAD compares: East Asian, 0.0022%; no homozygotes.

Submissions (2):

Ambry Genetics
Classification: Uncertain significance for Hereditary cancer-predisposing syndrome. Last evaluated: 2024-12-30. Review status: criteria provided, single submitter. Criteria: Ambry Variant Classification Scheme 2023. Collection method: clinical testing. Allele origin: germline.
Comment: The p.G102V variant (also known as c.305G>T), located in coding exon 2 of the MSH6 gene, results from a G to T substitution at nucleotide position 305. The glycine at codon 102 is replaced by valine, an amino acid with dissimilar properties. This amino acid position is highly conserved in available vertebrate species. In addition, this alteration is predicted to be deleterious by in silico analysis. Based on the available evidence, the clinical significance of this variant remains unclear.

Labcorp Genetics (formerly Invitae), Labcorp
Classification: Uncertain significance for Hereditary nonpolyposis colorectal neoplasms. Last evaluated: 2024-04-05. Review status: criteria provided, single submitter. Criteria: Invitae Variant Classification Sherloc (09022015). Collection method: clinical testing. Allele origin: germline.
Comment: This sequence change replaces glycine, which is neutral and non-polar, with valine, which is neutral and non-polar, at codon 102 of the MSH6 protein (p.Gly102Val). This variant is not present in population databases (gnomAD no frequency). This variant has not been reported in the literature in individuals affected with MSH6-related conditions. ClinVar contains an entry for this variant (Variation ID: 1799357). Advanced modeling of protein sequence and biophysical properties (such as structural, functional, and spatial information, amino acid conservation, physicochemical variation, residue mobility, and thermodynamic stability) performed at Invitae indicates that this missense variant is not expected to disrupt MSH6 protein function with a negative predictive value of 95%. In summary, the available evidence is currently insufficient to determine the role of this variant in disease. Therefore, it has been classified as a Variant of Uncertain Significance.

NM_000179.3(MSH6):c.305G>T (p.Gly102Val)

Gene: MSH6 (mutS homolog 6; plus strand). Cytogenetic location: 2p16.3.
Variant type: single nucleotide variant.
Coding change: c.305G>T on transcript NM_000179.3 (MANE Select); coding-DNA position 305, G replaced by T.
Protein change: p.Gly102Val; replaces glycine 102 with valine.
Molecular consequence: missense variant. On other transcripts: 5 prime UTR variant (2), intron variant (1).
Genome position (GRCh38, 1-based): chr2:47,790,971, G>T. VCF-style: chr2-47790971-G-T. GRCh37 (hg19) VCF-style: chr2-48018110-G-T.
Other names: c.-432G>T (NM_001281493.2, NM_001406811.1, NM_001406823.1 and 1 more transcripts); c.-598G>T (NM_001281494.2); c.401G>T, p.Gly134Val (NM_001406795.1, NM_001406802.1); c.305G>T, p.Gly102Val (NM_001406796.1, NM_001406798.1, NM_001406800.1 and 6 more transcripts); c.8G>T, p.Gly3Val (NM_001406797.1, NM_001406801.1, NM_001406805.1 and 10 more transcripts); c.227G>T, p.Gly76Val (NM_001406804.1); c.-624G>T (NM_001406807.1); c.-690G>T (NM_001406814.1); and 2 more; short protein forms G3V, G46V, G102V, G134V, G76V.
Identifiers: ClinVar variation 1799357 (VCV001799357.8), dbSNP rs1572708612, ClinGen allele CA346736778.